The following is an entry in ClinVar:

NM_001197104.2(KMT2A):c.6251C>T (p.Pro2084Leu)

Gene: KMT2A (lysine methyltransferase 2A; plus strand). Cytogenetic location: 11q23.3.
Variant type: single nucleotide variant.
Coding change: c.6251C>T on transcript NM_001197104.2 (MANE Select); coding-DNA position 6251, C replaced by T.
Protein change: p.Pro2084Leu; replaces proline 2084 with leucine.
Molecular consequence: missense variant.
Genome position (GRCh38, 1-based): chr11:118,501,079, C>T. VCF-style: chr11-118501079-C-T. GRCh37 (hg19) VCF-style: chr11-118371794-C-T.
Other names: c.6242C>T, p.Pro2081Leu (NM_005933.4); short protein forms P2084L, P2081L.
Identifiers: ClinVar variation 1379772 (VCV001379772.10), dbSNP rs782582553, ClinGen allele CA6304214.
Genomic context (GRCh38, chr11:118,501,079, plus strand): 5'-CTCGCAAGCGCTGTGTATATACATGCAAGATAGTGGAGTGCCGTCCTCCAGTCGTAGAGC[C>T]GGATATCAACAGCACTGTTGAACATGATGAAAACAGGACCATTGCCCATAGTCCAACATC-3'
Protein context (NP_001184033.1, residues 2074-2094): IVECRPPVVE[Pro2084Leu]DINSTVEHDE

ClinVar aggregate classification (germline): Uncertain significance. Review status: criteria provided, multiple submitters, no conflicts (2 of 4 stars). 2 submissions from 2 submitters: Uncertain significance (2). Last evaluated 2025-08-15.

Allele frequency attached by ClinVar (database versions not stated): gnomAD exomes below 0.00001; ExAC 0.00001; gnomAD 0.00001.
gnomAD v4.1: 8 of 1,613,888 alleles (0.0005%); highest among the groups gnomAD compares: East Asian, 0.0022%; no homozygotes.

Submissions (2):

Labcorp Genetics (formerly Invitae), Labcorp
Classification: Uncertain significance. Last evaluated: 2025-08-15. Review status: criteria provided, single submitter. Criteria: Invitae Variant Classification Sherloc (09022015). Collection method: clinical testing. Allele origin: germline.
Comment: This sequence change replaces proline, which is neutral and non-polar, with leucine, which is neutral and non-polar, at codon 2084 of the KMT2A protein (p.Pro2084Leu). The frequency data for this variant in the population databases is considered unreliable, as metrics indicate poor data quality at this position in the gnomAD database. This variant has not been reported in the literature in individuals affected with KMT2A-related conditions. ClinVar contains an entry for this variant (Variation ID: 1379772). Invitae Evidence Modeling of protein sequence and biophysical properties (such as structural, functional, and spatial information, amino acid conservation, physicochemical variation, residue mobility, and thermodynamic stability) has been performed for this missense variant. However, the output from this modeling did not meet the statistical confidence thresholds required to predict the impact of this variant on KMT2A protein function. In summary, the available evidence is currently insufficient to determine the role of this variant in disease. Therefore, it has been classified as a Variant of Uncertain Significance.

GeneDx
Classification: Uncertain significance. Last evaluated: 2022-11-03. Review status: criteria provided, single submitter. Criteria: GeneDx Variant Classification Process June 2021. Collection method: clinical testing. Allele origin: germline. Affected: yes.
Comment: In silico analysis supports that this missense variant has a deleterious effect on protein structure/function; Has not been previously published as pathogenic or benign to our knowledge